The following is an entry in ClinVar:

NM_014516.4(CNOT3):c.22C>T (p.Gln8Ter)

Gene: CNOT3 (CCR4-NOT transcription complex subunit 3; plus strand). Cytogenetic location: 19q13.42.
Variant type: single nucleotide variant.
Coding change: c.22C>T on transcript NM_014516.4 (MANE Select); coding-DNA position 22, C replaced by T.
Protein change: p.Gln8Ter; replaces glutamine 8 with a stop codon.
Molecular consequence: nonsense. On other transcripts: 5 prime UTR variant (2), non-coding transcript variant (2).
Genome position (GRCh38, 1-based): chr19:54,143,000, C>T. VCF-style: chr19-54143000-C-T. GRCh37 (hg19) VCF-style: chr19-54646736-C-T.
Other names: c.22C>T, p.Gln8Ter (NM_001440653.1, NM_001440654.1, NM_001440655.1 and 7 more transcripts); c.-578C>T (NM_001440659.1, NM_001440660.1); short protein forms Q8*.
Identifiers: ClinVar variation 4082295 (VCV004082295.1).
Genomic context (GRCh38, chr19:54,143,000, plus strand): 5'-AAGAGAGTATGAAGAGAGTGCGTCTGTAGGGCAGGGAAGATGGCGGACAAGCGCAAACTC[C>T]AAGGTACTAGACTGACTTCCTGCTGCACCTGTAGCCACATGCTCCCTCTTCTGAGGACTG-3'

ClinVar aggregate classification (germline): Pathogenic (1 of 4 stars; one submission).

Conditions:
Intellectual developmental disorder with speech delay, autism, and dysmorphic facies. Identifiers: MedGen C5231456, MONDO:0032864, OMIM 618672.

Submission:

Medical Genetics Center, Maternal and Child Health Hospital of Hubei Province
Classification: Pathogenic for Intellectual developmental disorder with speech delay, autism, and dysmorphic facies. Last evaluated: 2024-01-12. Review status: criteria provided, single submitter. Criteria: ACMG Guidelines, 2015. Collection method: clinical testing. Allele origin: de novo. Affected: yes.
Comment: PVS1 + PS2_Supporting + PM2_Supporting